The following is an entry in ClinVar:

NM_001567.4(INPPL1):c.998C>T (p.Thr333Met)

Gene: INPPL1 (inositol polyphosphate phosphatase like 1; plus strand). Cytogenetic location: 11q13.4.
Variant type: single nucleotide variant.
Coding change: c.998C>T on transcript NM_001567.4 (MANE Select); coding-DNA position 998, C replaced by T.
Protein change: p.Thr333Met; replaces threonine 333 with methionine.
Molecular consequence: missense variant.
Genome position (GRCh38, 1-based): chr11:72,230,179, C>T. VCF-style: chr11-72230179-C-T. GRCh37 (hg19) VCF-style: chr11-71941223-C-T.
Other names: c.998C>T (NM_001567.3); short protein forms T333M.
Identifiers: ClinVar variation 1442233 (VCV001442233.9), dbSNP rs747941383, ClinGen allele CA6169858.
Genomic context (GRCh38, chr11:72,230,179, plus strand): 5'-AGGTGAAGCTAGATGTGACCCTGGGTGACCTGACCAAGATTGGGAAGTCACAGAAGTTCA[C>T]GCTGAGCGTGGATGTGGAGGGTGGGCGGCTGGTGCTGCTGCGGAGACAGCGGGACTCCCA-3'
Protein context (NP_001558.3, residues 323-343): LTKIGKSQKF[Thr333Met]LSVDVEGGRL

ClinVar aggregate classification (germline): Uncertain significance. Review status: criteria provided, multiple submitters, no conflicts (2 of 4 stars). 2 submissions from 2 submitters: Uncertain significance (2). Last evaluated 2025-05-08.

Conditions:
Inborn genetic diseases. Identifiers: MedGen C0950123, MeSH D030342.

Allele frequency attached by ClinVar (database versions not stated): ExAC 0.00001; gnomAD 0.00001; gnomAD exomes 0.00001 and 0.00002; TOPMed 0.00001.
gnomAD v4.1: 15 of 1,611,850 alleles (0.00093%); highest among the groups gnomAD compares: Admixed American, 0.0067%; no homozygotes.

Submissions (2):

Labcorp Genetics (formerly Invitae), Labcorp
Classification: Uncertain significance. Last evaluated: 2025-05-08. Review status: criteria provided, single submitter. Criteria: Invitae Variant Classification Sherloc (09022015). Collection method: clinical testing. Allele origin: germline.
Comment: This sequence change replaces threonine, which is neutral and polar, with methionine, which is neutral and non-polar, at codon 333 of the INPPL1 protein (p.Thr333Met). This variant is present in population databases (rs747941383, gnomAD 0.009%). This variant has not been reported in the literature in individuals affected with INPPL1-related conditions. ClinVar contains an entry for this variant (Variation ID: 1442233). An algorithm developed to predict the effect of missense changes on protein structure and function (PolyPhen-2) suggests that this variant is likely to be disruptive. In summary, the available evidence is currently insufficient to determine the role of this variant in disease. Therefore, it has been classified as a Variant of Uncertain Significance.

Ambry Genetics
Classification: Uncertain significance for Inborn genetic diseases. Last evaluated: 2023-01-23. Review status: criteria provided, single submitter. Criteria: Ambry Variant Classification Scheme 2023. Collection method: clinical testing. Allele origin: germline.